The following is an entry in ClinVar:

NM_000035.4(ALDOB):c.112+5G>T

Gene: ALDOB (aldolase, fructose-bisphosphate B; minus strand). Cytogenetic location: 9q31.1.
Variant type: single nucleotide variant.
Coding change: c.112+5G>T on transcript NM_000035.4 (MANE Select); 5 bases into the intron after coding-DNA position 112, G replaced by T.
Molecular consequence: intron variant.
Genome position (GRCh38, 1-based): chr9:101,430,771, C>A on the plus strand (G>T on the coding strand, the complement: ALDOB is on the minus strand). VCF-style: chr9-101430771-C-A. GRCh37 (hg19) VCF-style: chr9-104193053-C-A.
Identifiers: ClinVar variation 4847536 (VCV004847536.1).

ClinVar aggregate classification (germline): Uncertain significance (1 of 4 stars; one submission).

gnomAD v4.1: 2 of 1,604,490 alleles (0.00012%); highest among the groups gnomAD compares: Non-Finnish European, 0.000085%; no homozygotes.

Submission:

Women's Health and Genetics/Laboratory Corporation of America, LabCorp
Classification: Uncertain significance. Last evaluated: 2026-03-03. Review status: criteria provided, single submitter. Criteria: LabCorp Variant Classification Summary - May 2015. Collection method: clinical testing. Allele origin: germline.
Comment: Variant summary: ALDOB c.112+5G>T alters a conserved nucleotide located close to a canonical splice site and therefore could affect mRNA splicing, leading to a significantly altered protein sequence. Several computational tools predict a significant impact on normal splicing: Three predict the variant weakens a 5' donor site. Two predict the variant abolishes a 5' splicing donor site. However, these predictions have yet to be confirmed by functional studies. The variant was absent in 251298 control chromosomes. The available data on variant occurrences in the general population are insufficient to allow any conclusion about variant significance. To our knowledge, no occurrence of c.112+5G>T in individuals affected with ALDOB-related conditions and no experimental evidence demonstrating its impact on protein function have been reported. No submitters have cited clinical-significance assessments for this variant to ClinVar. Based on the evidence outlined above, the variant was classified as uncertain significance.